The following is an entry in ClinVar:

NM_020843.4(SCAPER):c.125-1G>A

Gene: SCAPER (S-phase cyclin A associated protein in the ER; minus strand). Cytogenetic location: 15q24.3.
Variant type: single nucleotide variant.
Coding change: c.125-1G>A on transcript NM_020843.4 (MANE Select); the canonical splice acceptor site of the intron before coding-DNA position 125, G replaced by A.
Molecular consequence: splice acceptor variant.
Genome position (GRCh38, 1-based): chr15:76,857,880, C>T on the plus strand (G>A on the coding strand, the complement: SCAPER is on the minus strand). VCF-style: chr15-76857880-C-T. GRCh37 (hg19) VCF-style: chr15-77150221-C-T.
Other names: c.-396-1G>A (NM_001353011.2); c.-278-1G>A (NM_001353012.2); c.125-1G>A (NM_001353009.2); c.-333-1G>A (NM_001353010.2); c.-840-1G>A (NM_001145923.2).
Identifiers: ClinVar variation 1676479 (VCV001676479.3), dbSNP rs2151864247, ClinGen allele CA393638652.

ClinVar aggregate classification (germline): Likely pathogenic (1 of 4 stars; one submission).

Conditions:
Intellectual developmental disorder and retinitis pigmentosa; IDDRP. Also called: INTELLECTUAL DEVELOPMENTAL DISORDER AND RETINITIS PIGMENTOSA. Identifiers: MedGen C4748658, MONDO:0032594, OMIM 618195.

Submission:

Greenwood Genetic Center Diagnostic Laboratories, Greenwood Genetic Center
Classification: Likely pathogenic for Intellectual developmental disorder and retinitis pigmentosa; IDDRP. Last evaluated: 2022-03-10. Review status: criteria provided, single submitter. Criteria: ACMG Guidelines, 2015. Collection method: clinical testing. Allele origin: germline. Affected: yes.
Comment: PVS1, PM2